The following is an entry in ClinVar:

NM_205836.3(FBXO38):c.1526A>G (p.His509Arg)

Gene: FBXO38 (F-box protein 38; plus strand). Cytogenetic location: 5q32.
Variant type: single nucleotide variant.
Coding change: c.1526A>G on transcript NM_205836.3 (MANE Select); coding-DNA position 1526, A replaced by G.
Protein change: p.His509Arg; replaces histidine 509 with arginine.
Molecular consequence: missense variant.
Genome position (GRCh38, 1-based): chr5:148,417,112, A>G. VCF-style: chr5-148417112-A-G. GRCh37 (hg19) VCF-style: chr5-147796675-A-G.
Other names: c.1526A>G, p.His509Arg (NM_001271723.2, NM_030793.5); short protein forms H509R.
Identifiers: ClinVar variation 3897482 (VCV003897482.1).

ClinVar aggregate classification (germline): Uncertain significance (1 of 4 stars; one submission).

Submission:

GeneDx
Classification: Uncertain significance. Last evaluated: 2024-10-31. Review status: criteria provided, single submitter. Criteria: GeneDx Variant Classification Process June 2021. Collection method: clinical testing. Allele origin: germline. Affected: yes.
Comment: Not observed at significant frequency in large population cohorts (gnomAD); In silico analysis supports that this missense variant has a deleterious effect on protein structure/function; Has not been previously published as pathogenic or benign to our knowledge